The following is an entry in ClinVar:

NM_001931.5(DLAT):c.524C>G (p.Ala175Gly)

Gene: DLAT (dihydrolipoamide S-acetyltransferase; plus strand). Cytogenetic location: 11q23.1.
Variant type: single nucleotide variant.
Coding change: c.524C>G on transcript NM_001931.5 (MANE Select); coding-DNA position 524, C replaced by G.
Protein change: p.Ala175Gly; replaces alanine 175 with glycine.
Molecular consequence: missense variant. On other transcripts: non-coding transcript variant (1), intron variant (2).
Genome position (GRCh38, 1-based): chr11:112,028,809, C>G. VCF-style: chr11-112028809-C-G. GRCh37 (hg19) VCF-style: chr11-111899533-C-G.
Other names: c.524C>G, p.Ala175Gly (NM_001372031.1, NM_001372032.1, NM_001372033.1 and 3 more transcripts); c.491C>G, p.Ala164Gly (NM_001372034.1); c.398C>G, p.Ala133Gly (NM_001372036.1); c.356C>G, p.Ala119Gly (NM_001372037.1); c.62C>G, p.Ala21Gly (NM_001372042.1); c.381+2510C>G (NM_001372038.1); c.364+2527C>G (NM_001372040.1); short protein forms A119G, A133G, A164G, A175G, A21G.
Identifiers: ClinVar variation 2443631 (VCV002443631.1), dbSNP rs201046000, ClinGen allele CA228544066.

ClinVar aggregate classification (germline): Uncertain significance (1 of 4 stars; one submission).

Allele frequency attached by ClinVar (database versions not stated): TOPMed below 0.00001.
gnomAD v4.1: 12 of 1,614,116 alleles (0.00074%); highest among the groups gnomAD compares: Non-Finnish European, 0.00093%; no homozygotes.

Submission:

GeneDx
Classification: Uncertain significance. Last evaluated: 2022-09-07. Review status: criteria provided, single submitter. Criteria: GeneDx Variant Classification Process June 2021. Collection method: clinical testing. Allele origin: germline. Affected: yes.
Comment: Not observed at significant frequency in large population cohorts (gnomAD); In silico analysis supports that this missense variant has a deleterious effect on protein structure/function; Has not been previously published as pathogenic or benign to our knowledge